The following is an entry in ClinVar:

ClinVar aggregate classification (germline): Uncertain significance. Review status: criteria provided, multiple submitters, no conflicts (2 of 4 stars). 3 submissions from 3 submitters: Uncertain significance (3). Last evaluated 2025-11-24.

Conditions:
Brugada syndrome 8 (BRGDA8). Identifiers: Orphanet 130, MedGen C2751083, MONDO:0013148, OMIM 613123.
Epilepsy, idiopathic generalized, susceptibility to, 18. Identifiers: MedGen C5561983, MONDO:0030434, OMIM 619521.
Sick sinus syndrome 2, autosomal dominant (SSS2). Also called: ATRIAL FIBRILLATION WITH BRADYARRHYTHMIA; SINUS BRADYCARDIA SYNDROME, FAMILIAL, AUTOSOMAL DOMINANT; SINUS NODE DISEASE, FAMILIAL, AUTOSOMAL DOMINANT; SICK SINUS SYNDROME 2; SICK SINUS SYNDROME 2 WITH OR WITHOUT CARDIAC NONCOMPACTION AND/OR ASCENDING AORTA DILATION. Identifiers: Orphanet 166282, MedGen C1834144, MONDO:0008102, OMIM 163800.
Cardiovascular phenotype. Identifiers: MedGen CN230736.

Submissions (3):

Labcorp Genetics (formerly Invitae), Labcorp
Classification: Uncertain significance for Brugada syndrome 8. Last evaluated: 2025-11-24. Review status: criteria provided, single submitter. Criteria: Invitae Variant Classification Sherloc (09022015). Collection method: clinical testing. Allele origin: germline.
Comment: This variant, c.3394_3402dup, results in the insertion of 3 amino acid(s) of the HCN4 protein (p.Ser1132_Gly1134dup), but otherwise preserves the integrity of the reading frame. This variant is present in population databases (no rsID available, gnomAD 0.03%). This variant has not been reported in the literature in individuals affected with HCN4-related conditions. ClinVar contains an entry for this variant (Variation ID: 1413753). Experimental studies and prediction algorithms are not available or were not evaluated, and the functional significance of this variant is currently unknown. In summary, the available evidence is currently insufficient to determine the role of this variant in disease. Therefore, it has been classified as a Variant of Uncertain Significance.

Ambry Genetics
Classification: Uncertain significance for Cardiovascular phenotype. Last evaluated: 2024-05-13. Review status: criteria provided, single submitter. Criteria: Ambry Variant Classification Scheme 2023. Collection method: clinical testing. Allele origin: germline.
Comment: The c.3394_3402dupAGCGGGGGC variant (also known as p.S1132_G1134dup), located in coding exon 8 of the HCN4 gene, results from an in-frame duplication of AGCGGGGGC at nucleotide positions 3394 to 3402. This results in the duplication of 3 extra residues (SGG) between codons 1132 and 1134. This amino acid positions are well conserved in available vertebrate species. In addition, this alteration is predicted to be neutral by in silico analysis (Choi Y et al. PLoS ONE. 2012; 7(10):e46688). Based on the available evidence, the clinical significance of this variant remains unclear.

Fulgent Genetics
Classification: Uncertain significance for Sick sinus syndrome 2, autosomal dominant; Brugada syndrome 8; Epilepsy, idiopathic generalized, susceptibility to, 18. Last evaluated: 2021-10-11. Review status: criteria provided, single submitter. Criteria: ACMG Guidelines, 2015. Collection method: clinical testing. Allele origin: unknown.

NM_005477.3(HCN4):c.3394_3402dup (p.Ser1132_Gly1134dup)

Gene: HCN4 (hyperpolarization activated cyclic nucleotide gated potassium channel 4; minus strand). Cytogenetic location: 15q24.1.
Variant type: Duplication.
Coding change: c.3394_3402dup on transcript NM_005477.3 (MANE Select); coding-DNA positions 3394 to 3402, 9 bases duplicated (AGCGGGGGC; older notation c.3394_3402dupAGCGGGGGC).
Protein change: p.Ser1132_Gly1134dup.
Molecular consequence: inframe insertion.
Genome position (GRCh38, 1-based): chr15:73,322,691-73,322,699, GCCCCCGCT duplicated on the plus strand (AGCGGGGGC on the coding strand, the reverse complement: HCN4 is on the minus strand); duplicating any 9 consecutive bases within chr15:73,322,691-73,322,701 gives the same sequence; the c. name uses the placement nearest the transcript's 3' end. VCF-style (leftmost placement, unchanged base first): chr15-73322690-G-GGCCCCCGCT. GRCh37 (hg19) VCF-style: chr15-73615031-G-GGCCCCCGCT.
Other names: c.3394_3402dupAGCGGGGGC (NM_005477.2).
Identifiers: ClinVar variation 1413753 (VCV001413753.8), dbSNP rs1290501532, ClinGen allele CA619410592.